The following is an entry in ClinVar:

NM_000135.4(FANCA):c.3826A>G (p.Asn1276Asp)

Genes: FANCA (FA complementation group A; minus strand), ZNF276 (zinc finger protein 276; plus strand), LOC132090445 (Neanderthal introgressed variant-containing enhancer experimental_46704; plus strand). Cytogenetic location: 16q24.3.
Variant type: single nucleotide variant.
Coding change: c.3826A>G on transcript NM_000135.4 (MANE Select); coding-DNA position 3826, A replaced by G.
Protein change: p.Asn1276Asp; replaces asparagine 1276 with aspartic acid.
Molecular consequence: missense variant. On other transcripts: 3 prime UTR variant (2), non-coding transcript variant (4).
Genome position (GRCh38, 1-based): chr16:89,740,806, T>C on the plus strand (A>G on the coding strand, the complement: FANCA is on the minus strand). VCF-style: chr16-89740806-T-C. GRCh37 (hg19) VCF-style: chr16-89807214-T-C.
Other names: c.3826A>G, p.Asn1276Asp (NM_001286167.3); c.*2560T>C (NM_001113525.2, NM_152287.4); short protein forms N1276D.
Identifiers: ClinVar variation 840146 (VCV000840146.12), dbSNP rs2062114365, ClinGen allele CA397485132.

ClinVar aggregate classification (germline): Uncertain significance (1 of 4 stars; one submission).

Conditions:
Fanconi anemia (FA). Also called: Fanconi's anemia. Identifiers: Orphanet 84, MedGen C0015625, MeSH D005199, MONDO:0019391.

Submissions (2):

Labcorp Genetics (formerly Invitae), Labcorp
Classification: Uncertain significance for Fanconi anemia. Last evaluated: 2022-11-15. Review status: criteria provided, single submitter. Criteria: Invitae Variant Classification Sherloc (09022015). Collection method: clinical testing. Allele origin: germline.
Comment: This variant is not present in population databases (gnomAD no frequency). This variant has not been reported in the literature in individuals affected with FANCA-related conditions. ClinVar contains an entry for this variant (Variation ID: 840146). Algorithms developed to predict the effect of missense changes on protein structure and function are either unavailable or do not agree on the potential impact of this missense change (SIFT: "Tolerated"; PolyPhen-2: "Possibly Damaging"; Align-GVGD: "Class C0"). In summary, the available evidence is currently insufficient to determine the role of this variant in disease. Therefore, it has been classified as a Variant of Uncertain Significance. This sequence change replaces asparagine, which is neutral and polar, with aspartic acid, which is acidic and polar, at codon 1276 of the FANCA protein (p.Asn1276Asp).

Dr. Peter K. Rogan Lab, Western University
No classification provided (evidence only). Condition: Thyroid cancer, nonmedullary, 1. Review status: no classification provided. Collection method: in vitro. Allele origin: not applicable. Functional consequence: retained intron. Not counted in ClinVar's aggregate classification.